The following is an entry in ClinVar:

ClinVar aggregate classification (germline): Benign. Review status: criteria provided, multiple submitters, no conflicts (2 of 4 stars). 4 submissions from 4 submitters: Benign (4). Last evaluated 2021-04-07.

Conditions:
Dicarboxylic aminoaciduria (DCBXA). Also called: GLUTAMATE-ASPARTATE TRANSPORT DEFECT. Identifiers: Orphanet 2195, MedGen C1857253, MONDO:0009110, OMIM 222730.

Allele frequency attached by ClinVar (database versions not stated): ESP Exome Variant Server 0.12164; gnomAD 0.14771 and 0.15034; TOPMed 0.14834; ExAC 0.16739; gnomAD exomes 0.17503; 1000 Genomes Project 0.20208; 1000 Genomes Project 30x 0.20237.
gnomAD v4.1: 229,828 of 1,610,588 alleles (14%); highest among the groups gnomAD compares: East Asian, 40%; 19,390 homozygotes.

Submissions (4):

Mayo Clinic Laboratories, Mayo Clinic
Classification: Benign. Last evaluated: 2021-04-07. Review status: criteria provided, single submitter. Criteria: ACMG Guidelines, 2015. Collection method: clinical testing. Allele origin: germline. Observed: 1 variant allele.

GeneDx
Classification: Benign. Last evaluated: 2018-11-12. Review status: criteria provided, single submitter. Criteria: GeneDx Variant Classification Process June 2021. Collection method: clinical testing. Allele origin: germline. Affected: yes.

Illumina Laboratory Services, Illumina
Classification: Benign for Dicarboxylic aminoaciduria. Last evaluated: 2018-01-13. Review status: criteria provided, single submitter. Criteria: ICSL Variant Classification Criteria 13 December 2019. Collection method: clinical testing. Allele origin: germline.
Comment: This variant was observed in the ICSL laboratory as part of a predisposition screen in an ostensibly healthy population. It had not been previously curated by ICSL or reported in the Human Gene Mutation Database (HGMD: prior to June 1st, 2018), and was therefore a candidate for classification through an automated scoring system. Utilizing variant allele frequency, disease prevalence and penetrance estimates, and inheritance mode, an automated score was calculated to assess if this variant is too frequent to cause the disease. Based on the score and internal cut-off values, a variant classified as benign is not then subjected to further curation. The score for this variant resulted in a classification of benign for this disease.

Breakthrough Genomics
Classification: Benign. Review status: criteria provided, single submitter. Criteria: ACMG Guidelines, 2015. Collection method: not provided. Allele origin: germline. Inheritance: Autosomal recessive inheritance. Affected: yes.

NM_004170.6(SLC1A1):c.1193+11G>A

Gene: SLC1A1 (solute carrier family 1 member 1; plus strand). Cytogenetic location: 9p24.2.
Variant type: single nucleotide variant.
Coding change: c.1193+11G>A on transcript NM_004170.6 (MANE Select); 11 bases into the intron after coding-DNA position 1193, G replaced by A.
Molecular consequence: intron variant.
Genome position (GRCh38, 1-based): chr9:4,576,774, G>A. VCF-style: chr9-4576774-G-A. GRCh37 (hg19) VCF-style: chr9-4576774-G-A.
Other names: p.?.
Identifiers: ClinVar variation 367054 (VCV000367054.8), dbSNP rs1471786, ClinGen allele CA4969255.